The following is an entry in ClinVar:

NM_145207.3(AFG2A):c.2564A>T (p.Asn855Ile)

Gene: AFG2A (AAA ATPase AFG2A; plus strand). Cytogenetic location: 4q28.1.
Variant type: single nucleotide variant.
Coding change: c.2564A>T on transcript NM_145207.3 (MANE Select); coding-DNA position 2564, A replaced by T.
Protein change: p.Asn855Ile; replaces asparagine 855 with isoleucine.
Molecular consequence: missense variant.
Genome position (GRCh38, 1-based): chr4:123,313,946, A>T. VCF-style: chr4-123313946-A-T. GRCh37 (hg19) VCF-style: chr4-124235101-A-T.
Other names: c.2561A>T, p.Asn854Ile (NM_001345856.2); short protein forms N854I, N855I.
Identifiers: ClinVar variation 2092680 (VCV002092680.3), dbSNP rs759115657, ClinGen allele CA358228776.

ClinVar aggregate classification (germline): Uncertain significance (1 of 4 stars; one submission).

Conditions:
Microcephaly-intellectual disability-sensorineural hearing loss-epilepsy-abnormal muscle tone syndrome (NEDHSB). Also called: NEURODEVELOPMENTAL DISORDER WITH HEARING LOSS, SEIZURES, AND BRAIN ABNORMALITIES. Identifiers: Orphanet 457351, MedGen C4225276, MONDO:0014698, OMIM 616577.

gnomAD v4.1: 2 of 1,613,022 alleles (0.00012%); highest among the groups gnomAD compares: South Asian, 0.0022%; no homozygotes.

Submission:

Labcorp Genetics (formerly Invitae), Labcorp
Classification: Uncertain significance for Microcephaly-intellectual disability-sensorineural hearing loss-epilepsy-abnormal muscle tone syndrome. Last evaluated: 2022-07-25. Review status: criteria provided, single submitter. Criteria: Invitae Variant Classification Sherloc (09022015). Collection method: clinical testing. Allele origin: germline.
Comment: In summary, the available evidence is currently insufficient to determine the role of this variant in disease. Therefore, it has been classified as a Variant of Uncertain Significance. Advanced modeling of protein sequence and biophysical properties (such as structural, functional, and spatial information, amino acid conservation, physicochemical variation, residue mobility, and thermodynamic stability) performed at Invitae indicates that this missense variant is not expected to disrupt SPATA5 protein function. This variant has not been reported in the literature in individuals affected with SPATA5-related conditions. This variant is not present in population databases (gnomAD no frequency). This sequence change replaces asparagine, which is neutral and polar, with isoleucine, which is neutral and non-polar, at codon 855 of the SPATA5 protein (p.Asn855Ile).